The following is an entry in ClinVar:

NM_002471.4(MYH6):c.3541G>C (p.Glu1181Gln)

Gene: MYH6 (myosin heavy chain 6; minus strand). Cytogenetic location: 14q11.2.
Variant type: single nucleotide variant.
Coding change: c.3541G>C on transcript NM_002471.4 (MANE Select); coding-DNA position 3541, G replaced by C.
Protein change: p.Glu1181Gln; replaces glutamic acid 1181 with glutamine.
Molecular consequence: missense variant.
Genome position (GRCh38, 1-based): chr14:23,390,248, C>G on the plus strand (G>C on the coding strand, the complement: MYH6 is on the minus strand). VCF-style: chr14-23390248-C-G. GRCh37 (hg19) VCF-style: chr14-23859457-C-G.
Other names: short protein forms E1181Q.
Identifiers: ClinVar variation 577574 (VCV000577574.9), dbSNP rs1033416176, ClinGen allele CA389006057.

ClinVar aggregate classification (germline): Uncertain significance. Review status: criteria provided, multiple submitters, no conflicts (2 of 4 stars). 2 submissions from 2 submitters: Uncertain significance (2). Last evaluated 2021-09-02.

Conditions:
Hypertrophic cardiomyopathy 14. Identifiers: MedGen C2750467, MONDO:0013197, OMIM 613251.
Hypertrophic cardiomyopathy 1 (CMH1). Also called: MYH7-Related Familial Hypertrophic Cardiomyopathy; Familial hypertrophic cardiomyopathy 1. Identifiers: MedGen C3495498, MONDO:0008647, OMIM 192600.
Sick sinus syndrome 3, susceptibility to (SSS3). Identifiers: Orphanet 166282, MedGen C3279791, MONDO:0013568, OMIM 614090.
Dilated cardiomyopathy 1EE (CMD1EE). Identifiers: Orphanet 154, MedGen C2750466, MONDO:0013198, OMIM 613252.
Atrial septal defect 3 (ASD3). Identifiers: Orphanet 1478, MedGen C3279790, MONDO:0013567, OMIM 614089.

gnomAD v4.1: 4 of 1,582,698 alleles (0.00025%); highest among the groups gnomAD compares: Non-Finnish European, 0.00034%; no homozygotes.

Submissions (2):

Fulgent Genetics
Classification: Uncertain significance for Hypertrophic cardiomyopathy 1; Hypertrophic cardiomyopathy 14; Dilated cardiomyopathy 1EE; Atrial septal defect 3; Sick sinus syndrome 3, susceptibility to. Last evaluated: 2021-09-02. Review status: criteria provided, single submitter. Criteria: ACMG Guidelines, 2015. Collection method: clinical testing. Allele origin: unknown.

Labcorp Genetics (formerly Invitae), Labcorp
Classification: Uncertain significance for Hypertrophic cardiomyopathy 14. Last evaluated: 2018-06-20. Review status: criteria provided, single submitter. Criteria: Invitae Variant Classification Sherloc (09022015). Collection method: clinical testing. Allele origin: germline.
Comment: This sequence change replaces glutamic acid with glutamine at codon 1181 of the MYH6 protein (p.Glu1181Gln). The glutamic acid residue is weakly conserved and there is a small physicochemical difference between glutamic acid and glutamine. This variant is not present in population databases (ExAC no frequency). This variant has not been reported in the literature in individuals with MYH6-related disease. Algorithms developed to predict the effect of missense changes on protein structure and function are either unavailable or do not agree on the potential impact of this missense change (SIFT: "Deleterious"; PolyPhen-2: "Possibly Damaging"; Align-GVGD: "Class C0"). In summary, the available evidence is currently insufficient to determine the role of this variant in disease. Therefore, it has been classified as a Variant of Uncertain Significance.